The following is an entry in ClinVar:

NM_006567.5(FARS2):c.498G>A (p.Ala166=)

Genes: FARS2 (phenylalanyl-tRNA synthetase 2, mitochondrial; plus strand), LOC126859565 (CDK7 strongly-dependent group 2 enhancer GRCh37_chr6:5368745-5369944; plus strand). Cytogenetic location: 6p25.1.
Variant type: single nucleotide variant.
Coding change: c.498G>A on transcript NM_006567.5 (MANE Select); coding-DNA position 498, G replaced by A.
Protein change: p.Ala166=; no amino-acid change (alanine 166 retained).
Molecular consequence: synonymous variant. On other transcripts: intron variant (2).
Genome position (GRCh38, 1-based): chr6:5,369,068, G>A. VCF-style: chr6-5369068-G-A. GRCh37 (hg19) VCF-style: chr6-5369301-G-A.
Other names: c.498G>A, p.Ala166= (NM_001318872.2, NM_001374875.1, NM_001374876.1 and 5 more transcripts); c.-340-27565G>A (NM_001375260.1); c.-84-35474G>A (NM_001375259.1).
Identifiers: ClinVar variation 2062486 (VCV002062486.18), dbSNP rs375136325, ClinGen allele CA3623659.

ClinVar aggregate classification (germline): Likely benign. Review status: criteria provided, multiple submitters, no conflicts (2 of 4 stars). 2 submissions from 2 submitters: Likely benign (2). Last evaluated 2025-03-19.

Conditions:
Combined oxidative phosphorylation defect type 14. Also called: Combined oxidative phosphorylation deficiency 14. Identifiers: Orphanet 319519, MedGen C4755312, MONDO:0013986, OMIM 614946.

Allele frequency attached by ClinVar (database versions not stated): gnomAD exomes 0.00001; ExAC 0.00002; gnomAD 0.00002; TOPMed 0.00002; ESP Exome Variant Server 0.00015.
gnomAD v4.1: 21 of 1,613,900 alleles (0.0013%); highest among the groups gnomAD compares: Middle Eastern, 0.049%; no homozygotes.

Submissions (2):

Labcorp Genetics (formerly Invitae), Labcorp
Classification: Likely benign for Combined oxidative phosphorylation defect type 14. Last evaluated: 2025-03-19. Review status: criteria provided, single submitter. Criteria: Invitae Variant Classification Sherloc (09022015). Collection method: clinical testing. Allele origin: germline.

CeGaT Center for Human Genetics Tuebingen
Classification: Likely benign. Last evaluated: 2024-10-01. Review status: criteria provided, single submitter. Criteria: CeGaT Center For Human Genetics Tuebingen Variant Classification Criteria Version 2. Collection method: clinical testing. Allele origin: germline. Affected: yes. Observed: 1 variant allele.
Comment: FARS2: BP4, BP7